The following is an entry in ClinVar:

NM_032444.4(SLX4):c.760+5G>A

Gene: SLX4 (SLX4 structure-specific endonuclease subunit; minus strand). Cytogenetic location: 16p13.3.
Variant type: single nucleotide variant.
Coding change: c.760+5G>A on transcript NM_032444.4 (MANE Select); 5 bases into the intron after coding-DNA position 760, G replaced by A.
Molecular consequence: intron variant.
Genome position (GRCh38, 1-based): chr16:3,606,469, C>T on the plus strand (G>A on the coding strand, the complement: SLX4 is on the minus strand). VCF-style: chr16-3606469-C-T. GRCh37 (hg19) VCF-style: chr16-3656470-C-T.
Other names: c.760+5G>A (LRG_503t1).
Identifiers: ClinVar variation 504113 (VCV000504113.6), dbSNP rs1555452262, ClinGen allele CA658798534.
Genomic context (GRCh38, chr16:3,606,469, plus strand): 5'-GCCTCCCTTCCTCAGAGTTGTATTAACTTATCTCTGTGTGGAAGACAGAAACACACTCAT[C>T]ATACCATTCCCCGCCATCATCTCCTCTTGAGGATCCTTTGGGACATTTTCTTCCCGCGCA-3'

ClinVar aggregate classification (germline): Uncertain significance. Review status: criteria provided, multiple submitters, no conflicts (2 of 4 stars). 2 submissions from 2 submitters: Uncertain significance (2). Last evaluated 2023-12-15.

Conditions:
Fanconi anemia (FA). Also called: Fanconi's anemia. Identifiers: Orphanet 84, MedGen C0015625, MeSH D005199, MONDO:0019391.

Allele frequency attached by ClinVar (database versions not stated): gnomAD exomes below 0.00001; TOPMed below 0.00001.
gnomAD v4.1: 2 of 1,614,072 alleles (0.00012%); highest among the groups gnomAD compares: Non-Finnish European, 0.00017%; no homozygotes.

Submissions (2):

Labcorp Genetics (formerly Invitae), Labcorp
Classification: Uncertain significance for Fanconi anemia. Last evaluated: 2023-12-15. Review status: criteria provided, single submitter. Criteria: Invitae Variant Classification Sherloc (09022015). Collection method: clinical testing. Allele origin: germline.
Comment: This sequence change falls in intron 3 of the SLX4 gene. It does not directly change the encoded amino acid sequence of the SLX4 protein. It affects a nucleotide within the consensus splice site. This variant is not present in population databases (gnomAD no frequency). This variant has not been reported in the literature in individuals affected with SLX4-related conditions. ClinVar contains an entry for this variant (Variation ID: 504113). Variants that disrupt the consensus splice site are a relatively common cause of aberrant splicing (PMID: 17576681, 9536098). Algorithms developed to predict the effect of sequence changes on RNA splicing suggest that this variant may disrupt the consensus splice site. In summary, the available evidence is currently insufficient to determine the role of this variant in disease. Therefore, it has been classified as a Variant of Uncertain Significance.

GeneDx
Classification: Uncertain significance. Last evaluated: 2020-11-25. Review status: criteria provided, single submitter. Criteria: GeneDx Variant Classification Process June 2021. Collection method: clinical testing. Allele origin: germline. Affected: yes.
Comment: Has not been previously published as pathogenic or benign to our knowledge; Intronic +5 splice site variant in a gene for which loss-of-function is a known mechanism of disease, and both splice predictors and evolutionary conservation support a deleterious effect, although in the absence of functional evidence the actual effect of this sequence change is unknown.; Not observed in large population cohorts (Lek et al., 2016)

Literature cited by the submitters: PubMed 17576681 (cited by Labcorp Genetics (formerly Invitae), Labcorp); PubMed 9536098 (cited by Labcorp Genetics (formerly Invitae), Labcorp).